The following is an entry in ClinVar:

ClinVar aggregate classification (germline): Uncertain significance (1 of 4 stars; one submission).

Submission:

Labcorp Genetics (formerly Invitae), Labcorp
Classification: Uncertain significance. Last evaluated: 2022-04-22. Review status: criteria provided, single submitter. Criteria: Invitae Variant Classification Sherloc (09022015). Collection method: clinical testing. Allele origin: germline.
Comment: Advanced modeling of protein sequence and biophysical properties (such as structural, functional, and spatial information, amino acid conservation, physicochemical variation, residue mobility, and thermodynamic stability) performed at Invitae indicates that this missense variant is not expected to disrupt CDHR1 protein function. This sequence change replaces histidine, which is basic and polar, with tyrosine, which is neutral and polar, at codon 522 of the CDHR1 protein (p.His522Tyr). This variant is not present in population databases (gnomAD no frequency). This variant has not been reported in the literature in individuals affected with CDHR1-related conditions. In summary, the available evidence is currently insufficient to determine the role of this variant in disease. Therefore, it has been classified as a Variant of Uncertain Significance.

NM_033100.4(CDHR1):c.1564C>T (p.His522Tyr)

Gene: CDHR1 (cadherin related family member 1; plus strand). Cytogenetic location: 10q23.1.
Variant type: single nucleotide variant.
Coding change: c.1564C>T on transcript NM_033100.4 (MANE Select); coding-DNA position 1564, C replaced by T.
Protein change: p.His522Tyr; replaces histidine 522 with tyrosine.
Molecular consequence: missense variant.
Genome position (GRCh38, 1-based): chr10:84,212,189, C>T. VCF-style: chr10-84212189-C-T. GRCh37 (hg19) VCF-style: chr10-85971945-C-T.
Other names: c.1564C>T, p.His522Tyr (NM_001171971.3); short protein forms H522Y.
Identifiers: ClinVar variation 2129345 (VCV002129345.4), dbSNP rs2492537763, ClinGen allele CA377377763.
Genomic context (GRCh38, chr10:84,212,189, plus strand): 5'-ACATATGTGTATATGCGTGCACACCCATGCCTATGTGCTCTGCCTGGCAGCTTCCTGATC[C>T]ACCCATCCACTGGGCTTATCTACACCCAGCCCTGGGCTAGCCTGGACGCTGAGGCCACTG-3'
Protein context (NP_149091.1, residues 512-532): YGTGADLFLI[His522Tyr]PSTGLIYTQP